The following is an entry in ClinVar:

ClinVar aggregate classification (germline): Uncertain significance (1 of 4 stars; one submission).

Conditions:
Emery-Dreifuss muscular dystrophy (EDMD). Also called: Scapuloperoneal syndrome, X-linked (formerly); Humeroperoneal neuromuscular disease, (formerly). Identifiers: Orphanet 261, MedGen C0410189, MONDO:0016830.

Submission:

Labcorp Genetics (formerly Invitae), Labcorp
Classification: Uncertain significance for Emery-Dreifuss muscular dystrophy. Last evaluated: 2025-03-15. Review status: criteria provided, single submitter. Criteria: Invitae Variant Classification Sherloc (09022015). Collection method: clinical testing. Allele origin: germline.
Comment: This sequence change replaces glutamine, which is neutral and polar, with leucine, which is neutral and non-polar, at codon 422 of the SUN2 protein (p.Gln422Leu). This variant is not present in population databases (gnomAD no frequency). This variant has not been reported in the literature in individuals affected with SUN2-related conditions. An algorithm developed to predict the effect of missense changes on protein structure and function (PolyPhen-2) suggests that this variant is likely to be tolerated. In summary, the available evidence is currently insufficient to determine the role of this variant in disease. Therefore, it has been classified as a Variant of Uncertain Significance.

NM_015374.3(SUN2):c.1265A>T (p.Gln422Leu)

Genes: GTPBP1 (GTP binding protein 1; plus strand), SUN2 (Sad1 and UNC84 domain containing 2; minus strand). Cytogenetic location: 22q13.1.
Variant type: single nucleotide variant.
Coding change: c.1265A>T on transcript NM_015374.3 (MANE Select); coding-DNA position 1265, A replaced by T.
Protein change: p.Gln422Leu; replaces glutamine 422 with leucine.
Molecular consequence: missense variant.
Genome position (GRCh38, 1-based): chr22:38,740,358, T>A on the plus strand (A>T on the coding strand, the complement: SUN2 is on the minus strand). VCF-style: chr22-38740358-T-A. GRCh37 (hg19) VCF-style: chr22-39136363-T-A.
Other names: c.1328A>T, p.Gln443Leu (NM_001199579.2, NM_001394428.1); c.1265A>T, p.Gln422Leu (NM_001199580.2, NM_001394431.1, NM_001394432.1 and 5 more transcripts); c.1358A>T, p.Gln453Leu (NM_001394427.1); c.1310A>T, p.Gln437Leu (NM_001394429.1, NM_001394430.1); c.1175A>T, p.Gln392Leu (NM_001394438.1); c.1127A>T, p.Gln376Leu (NM_001394439.1, NM_001394440.1, NM_001394441.1); c.866A>T, p.Gln289Leu (NM_001394442.1); c.773A>T, p.Gln258Leu (NM_001394443.1); and 1 more; short protein forms Q392L, Q437L, Q258L, Q453L, Q376L, Q422L, Q443L, Q230L.
Identifiers: ClinVar variation 4713599 (VCV004713599.1).